The following is an entry in ClinVar:

NM_032638.5(GATA2):c.730C>A (p.His244Asn)

Gene: GATA2 (GATA binding protein 2; minus strand). Cytogenetic location: 3q21.3.
Variant type: single nucleotide variant.
Coding change: c.730C>A on transcript NM_032638.5 (MANE Select); coding-DNA position 730, C replaced by A.
Protein change: p.His244Asn; replaces histidine 244 with asparagine.
Molecular consequence: missense variant.
Genome position (GRCh38, 1-based): chr3:128,485,868, G>T on the plus strand (C>A on the coding strand, the complement: GATA2 is on the minus strand). VCF-style: chr3-128485868-G-T. GRCh37 (hg19) VCF-style: chr3-128204711-G-T.
Other names: c.730C>A, p.His244Asn (NM_001145661.2, NM_001145662.1); short protein forms H244N.
Identifiers: ClinVar variation 1948947 (VCV001948947.6), dbSNP rs2472930238, ClinGen allele CA354406119.

ClinVar aggregate classification (germline): Uncertain significance. Review status: criteria provided, multiple submitters, no conflicts (2 of 4 stars). 2 submissions from 2 submitters: Uncertain significance (2). Last evaluated 2025-10-22.

Conditions:
Inborn genetic diseases. Identifiers: MedGen C0950123, MeSH D030342.
Deafness-lymphedema-leukemia syndrome. Also called: Lymphedema, primary, with myelodysplasia; Emberger syndrome. Identifiers: Orphanet 3226, MedGen C3279664, MONDO:0013540, OMIM 614038.
Monocytopenia with susceptibility to infections. Also called: MONOCYTOPENIA AND MYCOBACTERIAL INFECTION SYNDROME; MONOCYTOPENIA WITH SUSCEPTIBILITY TO MYCOBACTERIAL, FUNGAL, AND PAPILLOMAVIRUS INFECTIONS AND MYELODYSPLASIA; COMBINED IMMUNODEFICIENCY WITH SUSCEPTIBILITY TO MYCOBACTERIAL, VIRAL, AND FUNGAL INFECTIONS; Dendritic cell, monocyte, B lymphocyte, and natural killer lymphocyte deficiency; GATA2 DEFICIENCY; IMMUNODEFICIENCY 21. Identifiers: Orphanet 228423, MedGen C3280030, MONDO:0013607, OMIM 614172.

Submissions (2):

Ambry Genetics
Classification: Uncertain significance for Inborn genetic diseases. Last evaluated: 2025-10-22. Review status: criteria provided, single submitter. Criteria: Ambry Variant Classification Scheme 2023. Collection method: clinical testing. Allele origin: germline.
Comment: The p.H244N variant (also known as c.730C>A), located in coding exon 2 of the GATA2 gene, results from a C to A substitution at nucleotide position 730. The histidine at codon 244 is replaced by asparagine, an amino acid with similar properties. This amino acid position is conserved. In addition, the in silico prediction for this alteration is inconclusive. Based on the available evidence, the clinical significance of this variant remains unclear.

Labcorp Genetics (formerly Invitae), Labcorp
Classification: Uncertain significance for Monocytopenia with susceptibility to infections; Deafness-lymphedema-leukemia syndrome. Last evaluated: 2022-05-12. Review status: criteria provided, single submitter. Criteria: Invitae Variant Classification Sherloc (09022015). Collection method: clinical testing. Allele origin: germline.
Comment: In summary, the available evidence is currently insufficient to determine the role of this variant in disease. Therefore, it has been classified as a Variant of Uncertain Significance. Algorithms developed to predict the effect of missense changes on protein structure and function are either unavailable or do not agree on the potential impact of this missense change (SIFT: "Tolerated"; PolyPhen-2: "Possibly Damaging"; Align-GVGD: "Class C0"). This variant has not been reported in the literature in individuals affected with GATA2-related conditions. This variant is not present in population databases (gnomAD no frequency). This sequence change replaces histidine, which is basic and polar, with asparagine, which is neutral and polar, at codon 244 of the GATA2 protein (p.His244Asn).